The following is an entry in ClinVar:

ClinVar aggregate classification (germline): Pathogenic (1 of 4 stars; one submission).

Allele frequency attached by ClinVar (database versions not stated): gnomAD exomes below 0.00001; gnomAD 0.00001; TOPMed below 0.00001.

Submission:

Labcorp Genetics (formerly Invitae), Labcorp
Classification: Pathogenic. Last evaluated: 2025-05-22. Review status: criteria provided, single submitter. Criteria: Invitae Variant Classification Sherloc (09022015). Collection method: clinical testing. Allele origin: germline.
Comment: This sequence change creates a premature translational stop signal (p.Glu341Lysfs*41) in the COL11A2 gene. It is expected to result in an absent or disrupted protein product. Loss-of-function variants in COL11A2 are known to be pathogenic (PMID: 10677296, 21204229). This variant is present in population databases (no rsID available, gnomAD 0.0009%). This variant has not been reported in the literature in individuals affected with COL11A2-related conditions. ClinVar contains an entry for this variant (Variation ID: 2779891). Algorithms developed to predict the effect of sequence changes on RNA splicing suggest that this variant may disrupt the consensus splice site. For these reasons, this variant has been classified as Pathogenic.

Literature cited by the submitters: PubMed 10677296; PubMed 21204229.

NM_080680.3(COL11A2):c.1020del (p.Glu341fs)

Gene: COL11A2 (collagen type XI alpha 2 chain; minus strand). Cytogenetic location: 6p21.32.
Variant type: Deletion.
Coding change: c.1020del on transcript NM_080680.3 (MANE Select); coding-DNA position 1020, one base deleted (T; older notation c.1020delT).
Protein change: p.Glu341fs; shifts the reading frame from glutamic acid 341.
Molecular consequence: frameshift variant. On other transcripts: intron variant (5).
Genome position (GRCh38, 1-based): chr6:33,184,244, A deleted on the plus strand (T on the coding strand, the reverse complement: COL11A2 is on the minus strand). VCF-style (leftmost placement, unchanged base first): chr6-33184243-CA-C. GRCh37 (hg19) VCF-style: chr6-33152020-CA-C.
Other names: c.174del, p.Glu59fs (NM_001424109.1); c.93+748del (NM_001424111.1, NM_001424110.1); c.798+2383del (NM_080679.3); c.861+748del (NM_080681.3); c.939+748del (NM_001424108.1); short protein forms E341fs, E59fs.
Identifiers: ClinVar variation 2779891 (VCV002779891.3), dbSNP rs1172330590, ClinGen allele CA566409889.